The following is an entry in ClinVar:

ClinVar aggregate classification (germline): Uncertain significance (1 of 4 stars; one submission).

Conditions:
Hereditary cancer-predisposing syndrome. Also called: Tumor predisposition; Neoplastic Syndromes, Hereditary; Hereditary Cancer Syndrome; Hereditary neoplastic syndrome. Identifiers: Orphanet 140162, MedGen C0027672, MeSH D009386, MONDO:0015356.

Submission:

Ambry Genetics
Classification: Uncertain significance for Hereditary cancer-predisposing syndrome. Last evaluated: 2024-10-28. Review status: criteria provided, single submitter. Criteria: Ambry Variant Classification Scheme 2023. Collection method: clinical testing. Allele origin: germline.
Comment: The p.S145F variant (also known as c.434C>T), located in coding exon 4 of the BRIP1 gene, results from a C to T substitution at nucleotide position 434. The serine at codon 145 is replaced by phenylalanine, an amino acid with highly dissimilar properties. This amino acid position is conserved. In addition, this alteration is predicted to be tolerated by in silico analysis. Based on the available evidence, the clinical significance of this variant remains unclear.

NM_032043.3(BRIP1):c.434C>T (p.Ser145Phe)

Gene: BRIP1 (BRCA1 interacting DNA helicase 1; minus strand). Cytogenetic location: 17q23.2.
Variant type: single nucleotide variant.
Coding change: c.434C>T on transcript NM_032043.3 (MANE Select); coding-DNA position 434, C replaced by T.
Protein change: p.Ser145Phe; replaces serine 145 with phenylalanine.
Molecular consequence: missense variant.
Genome position (GRCh38, 1-based): chr17:61,849,202, G>A on the plus strand (C>T on the coding strand, the complement: BRIP1 is on the minus strand). VCF-style: chr17-61849202-G-A. GRCh37 (hg19) VCF-style: chr17-59926563-G-A.
Other names: short protein forms S145F.
Identifiers: ClinVar variation 3482426 (VCV003482426.1).